The following is an entry in ClinVar:

ClinVar aggregate classification (germline): Likely benign. Review status: criteria provided, multiple submitters, no conflicts (2 of 4 stars). 2 submissions from 2 submitters: Likely benign (2). Last evaluated 2025-10-26.

Conditions:
PEX11B-related disorder. Also called: PEX11B-related condition.

Allele frequency attached by ClinVar (database versions not stated): ExAC 0.00001; gnomAD 0.00001; gnomAD exomes 0.00001.
gnomAD v4.1: 17 of 1,613,924 alleles (0.0011%); highest among the groups gnomAD compares: African/African-American, 0.0067%; no homozygotes.

Submissions (2):

Labcorp Genetics (formerly Invitae), Labcorp
Classification: Likely benign. Last evaluated: 2025-10-26. Review status: criteria provided, single submitter. Criteria: Invitae Variant Classification Sherloc (09022015). Collection method: clinical testing. Allele origin: germline.

PreventionGenetics, part of Exact Sciences
Classification: Likely benign for PEX11B-related condition. Last evaluated: 2025-09-30. Review status: criteria provided, single submitter. Criteria: ACMG Guidelines, 2015. Collection method: clinical testing. Allele origin: germline.
Comment: This variant is classified as likely benign based on ACMG/AMP sequence variant interpretation guidelines (Richards et al. 2015 PMID: 25741868, with internal and published modifications).

NM_003846.3(PEX11B):c.630C>T (p.Asp210=)

Gene: PEX11B (peroxisomal biogenesis factor 11 beta; minus strand). Cytogenetic location: 1q21.1.
Variant type: single nucleotide variant.
Coding change: c.630C>T on transcript NM_003846.3 (MANE Select); coding-DNA position 630, C replaced by T.
Protein change: p.Asp210=; no amino-acid change (aspartic acid 210 retained).
Molecular consequence: synonymous variant. On other transcripts: non-coding transcript variant (3).
Genome position (GRCh38, 1-based): chr1:145,912,311, G>A on the plus strand (C>T on the coding strand, the complement: PEX11B is on the minus strand). VCF-style: chr1-145912311-G-A. GRCh37 (hg19) VCF-style: chr1-145522769-C-T.
Other names: c.588C>T, p.Asp196= (NM_001184795.1); c.630C>T (NM_003846.2).
Identifiers: ClinVar variation 1118851 (VCV001118851.10), dbSNP rs782043450, ClinGen allele CA1055641.
Genomic context (GRCh38, chr1:145,912,311, plus strand): 5'-ACAGCGCCAGAGGCCTAGTTTGTCCAGAGGAATGAAGAGATCACAGGCATTTCTGACCAC[G>A]TCTAGCAGAAGTGGGGGATGACCTCTAAGGACTCGAGCCAGGAGCAGGACTTGCAGCCGA-3'
Protein context (NP_003837.1, residues 200-220): VLRGHPPLLL[Asp210=]VVRNACDLFI